The following is an entry in ClinVar:

ClinVar aggregate classification (germline): Uncertain significance (1 of 4 stars; one submission).

gnomAD v4.1: 4 of 1,593,454 alleles (0.00025%); highest among the groups gnomAD compares: Non-Finnish European, 0.00034%; no homozygotes.

Submission:

Labcorp Genetics (formerly Invitae), Labcorp
Classification: Uncertain significance. Last evaluated: 2024-06-05. Review status: criteria provided, single submitter. Criteria: Invitae Variant Classification Sherloc (09022015). Collection method: clinical testing. Allele origin: germline.
Comment: This sequence change replaces alanine, which is neutral and non-polar, with proline, which is neutral and non-polar, at codon 296 of the FOXF1 protein (p.Ala296Pro). This variant is present in population databases (no rsID available, gnomAD 0.001%). This variant has not been reported in the literature in individuals affected with FOXF1-related conditions. Advanced modeling of protein sequence and biophysical properties (such as structural, functional, and spatial information, amino acid conservation, physicochemical variation, residue mobility, and thermodynamic stability) performed at Invitae indicates that this missense variant is not expected to disrupt FOXF1 protein function with a negative predictive value of 80%. In summary, the available evidence is currently insufficient to determine the role of this variant in disease. Therefore, it has been classified as a Variant of Uncertain Significance.

NM_001451.3(FOXF1):c.886G>C (p.Ala296Pro)

Gene: FOXF1 (forkhead box F1; plus strand). Cytogenetic location: 16q24.1.
Variant type: single nucleotide variant.
Coding change: c.886G>C on transcript NM_001451.3 (MANE Select); coding-DNA position 886, G replaced by C.
Protein change: p.Ala296Pro; replaces alanine 296 with proline.
Molecular consequence: missense variant.
Genome position (GRCh38, 1-based): chr16:86,511,455, G>C. VCF-style: chr16-86511455-G-C. GRCh37 (hg19) VCF-style: chr16-86545061-G-C.
Other names: short protein forms A296P.
Identifiers: ClinVar variation 3684474 (VCV003684474.2).